The following is an entry in ClinVar:

ClinVar aggregate classification (germline): Uncertain significance (1 of 4 stars; one submission).

Conditions:
Rafiq syndrome (RAFQS). Identifiers: Orphanet 88616, MedGen C3280127, MONDO:0013624, OMIM 614202.

Allele frequency attached by ClinVar (database versions not stated): gnomAD exomes below 0.00001; TOPMed below 0.00001.

Submission:

Labcorp Genetics (formerly Invitae), Labcorp
Classification: Uncertain significance for Rafiq syndrome. Last evaluated: 2022-07-19. Review status: criteria provided, single submitter. Criteria: Invitae Variant Classification Sherloc (09022015). Collection method: clinical testing. Allele origin: germline.
Comment: This sequence change replaces leucine, which is neutral and non-polar, with proline, which is neutral and non-polar, at codon 431 of the MAN1B1 protein (p.Leu431Pro). This variant is present in population databases (no rsID available, gnomAD 0.0009%). This variant has not been reported in the literature in individuals affected with MAN1B1-related conditions. Algorithms developed to predict the effect of missense changes on protein structure and function are either unavailable or do not agree on the potential impact of this missense change (SIFT: "Deleterious"; PolyPhen-2: "Probably Damaging"; Align-GVGD: "Class C0"). In summary, the available evidence is currently insufficient to determine the role of this variant in disease. Therefore, it has been classified as a Variant of Uncertain Significance.

NM_016219.5(MAN1B1):c.1292T>C (p.Leu431Pro)

Gene: MAN1B1 (mannosidase alpha class 1B member 1; plus strand). Cytogenetic location: 9q34.3.
Variant type: single nucleotide variant.
Coding change: c.1292T>C on transcript NM_016219.5 (MANE Select); coding-DNA position 1292, T replaced by C.
Protein change: p.Leu431Pro; replaces leucine 431 with proline.
Molecular consequence: missense variant. On other transcripts: non-coding transcript variant (2).
Genome position (GRCh38, 1-based): chr9:137,106,162, T>C. VCF-style: chr9-137106162-T-C. GRCh37 (hg19) VCF-style: chr9-140000614-T-C.
Other names: c.1184T>C, p.Leu395Pro (NM_007230.1); short protein forms L431P, L395P.
Identifiers: ClinVar variation 1970499 (VCV001970499.2), dbSNP rs1199621025, ClinGen allele CA375655139.